The following is an entry in ClinVar:

ClinVar aggregate classification (germline): Benign/Likely benign. Review status: criteria provided, multiple submitters, no conflicts (2 of 4 stars). 8 submissions from 8 submitters: Benign (3); Likely benign (3). 2 of the submissions do not count toward it. Last evaluated 2026-02-04.

Conditions:
Hypophosphatemic nephrolithiasis/osteoporosis 1. Identifiers: Orphanet 244305, MedGen C2676786, MONDO:0012850, OMIM 612286.

Allele frequency attached by ClinVar (database versions not stated): 1000 Genomes Project 30x 0.00828; 1000 Genomes Project 0.00879; TOPMed 0.01931; gnomAD 0.02176 and 0.02221; gnomAD exomes 0.02202 and 0.02972; ExAC 0.02272; ESP Exome Variant Server 0.02445.
gnomAD v4.1: 46,544 of 1,613,832 alleles (2.9%); highest among the groups gnomAD compares: Non-Finnish European, 3.4%; 757 homozygotes.

Submissions (8):

Labcorp Genetics (formerly Invitae), Labcorp
Classification: Benign. Last evaluated: 2026-02-04. Review status: criteria provided, single submitter. Criteria: Invitae Variant Classification Sherloc (09022015). Collection method: clinical testing. Allele origin: germline.

GeneDx
Classification: Likely benign. Last evaluated: 2025-06-10. Review status: criteria provided, single submitter. Criteria: GeneDx Variant Classification Process June 2021. Collection method: clinical testing. Allele origin: germline. Affected: yes.
Comment: See Variant Classification Assertion Criteria.

Blueprint Genetics
Classification: Likely benign. Last evaluated: 2024-11-26. Review status: criteria provided, single submitter. Criteria: ACMG Guidelines, 2015. Collection method: clinical testing. Allele origin: germline.

Mayo Clinic Laboratories, Mayo Clinic
Classification: Benign. Last evaluated: 2024-08-29. Review status: criteria provided, single submitter. Criteria: ACMG Guidelines, 2015. Collection method: clinical testing. Allele origin: germline. Observed: 8 variant alleles.
Comment: BS1, BS2, BP4

Illumina Laboratory Services, Illumina
Classification: Benign for Hypophosphatemic nephrolithiasis/osteoporosis 1. Last evaluated: 2018-01-13. Review status: criteria provided, single submitter. Criteria: ICSL Variant Classification Criteria 13 December 2019. Collection method: clinical testing. Allele origin: germline.
Comment: This variant was observed in the ICSL laboratory as part of a predisposition screen in an ostensibly healthy population. It had not been previously curated by ICSL or reported in the Human Gene Mutation Database (HGMD: prior to June 1st, 2018), and was therefore a candidate for classification through an automated scoring system. Utilizing variant allele frequency, disease prevalence and penetrance estimates, and inheritance mode, an automated score was calculated to assess if this variant is too frequent to cause the disease. Based on the score and internal cut-off values, a variant classified as benign is not then subjected to further curation. The score for this variant resulted in a classification of benign for this disease.

Breakthrough Genomics
Classification: Likely benign. Review status: criteria provided, single submitter. Criteria: ACMG Guidelines, 2015. Collection method: not provided. Allele origin: germline. Inheritance: Autosomal recessive inheritance. Affected: yes.

Genome Diagnostics Laboratory, University Medical Center Utrecht
Classification: Benign. Review status: no assertion criteria provided. Collection method: clinical testing. Allele origin: germline. Affected: yes. Study: VKGL Data-share Consensus. Not counted in ClinVar's aggregate classification.

Joint Genome Diagnostic Labs from Nijmegen and Maastricht, Radboudumc and MUMC+
Classification: Benign. Review status: no assertion criteria provided. Collection method: clinical testing. Allele origin: germline. Affected: yes. Study: VKGL Data-share Consensus. Not counted in ClinVar's aggregate classification.

Literature cited by the submitters: PubMed 16688119 (cited by Mayo Clinic Laboratories, Mayo Clinic); PubMed 32593617 (cited by Mayo Clinic Laboratories, Mayo Clinic).

NM_003052.5(SLC34A1):c.1702C>T (p.His568Tyr)

Gene: SLC34A1 (solute carrier family 34 member 1; plus strand). Cytogenetic location: 5q35.3.
Variant type: single nucleotide variant.
Coding change: c.1702C>T on transcript NM_003052.5 (MANE Select); coding-DNA position 1702, C replaced by T.
Protein change: p.His568Tyr; replaces histidine 568 with tyrosine.
Molecular consequence: missense variant.
Genome position (GRCh38, 1-based): chr5:177,398,068, C>T. VCF-style: chr5-177398068-C-T. GRCh37 (hg19) VCF-style: chr5-176825069-C-T.
Other names: p.His568Tyr; short protein forms H568Y.
Identifiers: ClinVar variation 352975 (VCV000352975.25), dbSNP rs34225933, ClinGen allele CA3580866.